The following is an entry in ClinVar:

NM_003681.5(PDXK):c.834C>T (p.Ala278=)

Gene: PDXK (pyridoxal kinase; plus strand). Cytogenetic location: 21q22.3.
Variant type: single nucleotide variant.
Coding change: c.834C>T on transcript NM_003681.5 (MANE Select); coding-DNA position 834, C replaced by T.
Protein change: p.Ala278=; no amino-acid change (alanine 278 retained).
Molecular consequence: synonymous variant.
Genome position (GRCh38, 1-based): chr21:43,755,958, C>T. VCF-style: chr21-43755958-C-T. GRCh37 (hg19) VCF-style: chr21-45175839-C-T.
Other names: c.834C>T (NM_003681.4); c.714C>T, p.Ala238= (NM_001331030.2).
Identifiers: ClinVar variation 2652726 (VCV002652726.25), dbSNP rs146321963, ClinGen allele CA10048796.
Genomic context (GRCh38, chr21:43,755,958, plus strand): 5'-ACAGCGGGAGCCCCTCTGAGATGGGAACTCAGTGCTCTCTGCCTGCCCCGCAGCCCAGGC[C>T]GGGGAAGGAGTGAGGCCCAGCCCCATGCAGCTGGAGCTGCGGATGGTGCAGAGCAAAAGG-3'
Protein context (NP_003672.1, residues 268-288): QRTIQCAKAQ[Ala278=]GEGVRPSPMQ

ClinVar aggregate classification (germline): Likely benign. Review status: criteria provided, single submitter (1 of 4 stars). 2 submissions from 2 submitters: Likely benign (1). 1 of the submissions does not count toward it. Last evaluated 2025-01-01.

Conditions:
PDXK-related disorder. Also called: PDXK-related condition.

Allele frequency attached by ClinVar (database versions not stated): ESP Exome Variant Server 0.00062; 1000 Genomes Project 0.00080; gnomAD 0.00086; 1000 Genomes Project 30x 0.00125.
gnomAD v4.1: 1,906 of 1,608,554 alleles (0.12%); highest among the groups gnomAD compares: Non-Finnish European, 0.15%; 2 homozygotes.

Submissions (2):

CeGaT Center for Human Genetics Tuebingen
Classification: Likely benign. Last evaluated: 2025-01-01. Review status: criteria provided, single submitter. Criteria: CeGaT Center For Human Genetics Tuebingen Variant Classification Criteria Version 2. Collection method: clinical testing. Allele origin: germline. Affected: yes. Observed: 3 variant alleles.
Comment: PDXK: BP4, BP7

PreventionGenetics, part of Exact Sciences
Classification: Likely benign for PDXK-related condition. Last evaluated: 2020-01-28. Review status: no assertion criteria provided. Collection method: clinical testing. Allele origin: germline. Not counted in ClinVar's aggregate classification.
Comment: This variant is classified as likely benign based on ACMG/AMP sequence variant interpretation guidelines (Richards et al. 2015 PMID: 25741868, with internal and published modifications).